The following is an entry in ClinVar:

ClinVar aggregate classification (germline): Likely benign (1 of 4 stars; one submission).

Allele frequency attached by ClinVar (database versions not stated): gnomAD 0.00019; 1000 Genomes Project 0.00020; 1000 Genomes Project 30x 0.00047.
gnomAD v4.1: 208 of 1,609,214 alleles (0.013%); highest among the groups gnomAD compares: Middle Eastern, 0.35%; 8 homozygotes.

Submission:

CeGaT Center for Human Genetics Tuebingen
Classification: Likely benign. Last evaluated: 2022-10-01. Review status: criteria provided, single submitter. Criteria: CeGaT Center For Human Genetics Tuebingen Variant Classification Criteria Version 2. Collection method: clinical testing. Allele origin: germline. Affected: yes. Observed: 1 variant allele.
Comment: AHNAK2: BP4, BP7

NM_138420.4(AHNAK2):c.6762C>T (p.Pro2254=)

Gene: AHNAK2 (AHNAK nucleoprotein 2; minus strand). Cytogenetic location: 14q32.33.
Variant type: single nucleotide variant.
Coding change: c.6762C>T on transcript NM_138420.4 (MANE Select); coding-DNA position 6762, C replaced by T.
Protein change: p.Pro2254=; no amino-acid change (proline 2254 retained).
Molecular consequence: synonymous variant.
Genome position (GRCh38, 1-based): chr14:104,948,689, G>A on the plus strand (C>T on the coding strand, the complement: AHNAK2 is on the minus strand). VCF-style: chr14-104948689-G-A. GRCh37 (hg19) VCF-style: chr14-105415026-G-A.
Other names: c.6462C>T, p.Pro2154= (NM_001350929.2).
Identifiers: ClinVar variation 2644732 (VCV002644732.24), dbSNP rs536064909, ClinGen allele CA7380939.